The following is an entry in ClinVar:

NM_001388492.1(HTT):c.4351T>G (p.Leu1451Val)

Gene: HTT (huntingtin; plus strand). Cytogenetic location: 4p16.3.
Variant type: single nucleotide variant.
Coding change: c.4351T>G on transcript NM_001388492.1 (MANE Select); coding-DNA position 4351, T replaced by G.
Protein change: p.Leu1451Val; replaces leucine 1451 with valine.
Molecular consequence: missense variant.
Genome position (GRCh38, 1-based): chr4:3,175,051, T>G. VCF-style: chr4-3175051-T-G. GRCh37 (hg19) VCF-style: chr4-3176778-T-G.
Other names: c.4357T>G, p.Leu1453Val (NM_002111.8); short protein forms L1453V, L1451V.
Identifiers: ClinVar variation 1495862 (VCV001495862.6), dbSNP rs751683630, ClinGen allele CA356067004.

ClinVar aggregate classification (germline): Uncertain significance (1 of 4 stars; one submission).

gnomAD v4.1: 2 of 1,614,224 alleles (0.00012%); highest among the groups gnomAD compares: Admixed American, 0.0033%; no homozygotes.

Submission:

Labcorp Genetics (formerly Invitae), Labcorp
Classification: Uncertain significance. Last evaluated: 2021-04-14. Review status: criteria provided, single submitter. Criteria: Invitae Variant Classification Sherloc (09022015). Collection method: clinical testing. Allele origin: germline.
Comment: In summary, the available evidence is currently insufficient to determine the role of this variant in disease. Therefore, it has been classified as a Variant of Uncertain Significance. Experimental studies and prediction algorithms are not available or were not evaluated, and the functional significance of this variant is currently unknown. This variant has not been reported in the literature in individuals with HTT-related conditions. This variant is not present in population databases (ExAC no frequency). This sequence change replaces leucine with valine at codon 1453 of the HTT protein (p.Leu1453Val). The leucine residue is highly conserved and there is a small physicochemical difference between leucine and valine.